The following is an entry in ClinVar:

NM_015693.4(INTU):c.179A>C (p.Gln60Pro)

Gene: INTU (inturned planar cell polarity protein; plus strand). Cytogenetic location: 4q28.1.
Variant type: single nucleotide variant.
Coding change: c.179A>C on transcript NM_015693.4 (MANE Select); coding-DNA position 179, A replaced by C.
Protein change: p.Gln60Pro; replaces glutamine 60 with proline.
Molecular consequence: missense variant.
Genome position (GRCh38, 1-based): chr4:127,643,553, A>C. VCF-style: chr4-127643553-A-C. GRCh37 (hg19) VCF-style: chr4-128564708-A-C.
Other names: short protein forms Q60P.
Identifiers: ClinVar variation 4745368 (VCV004745368.1).
Genomic context (GRCh38, chr4:127,643,553, plus strand): 5'-TTAAGATTATCTTTTCTCTCTTTCATAGTGATCTTGAGCCTGAATGGCTGGACAGTGTGC[A>C]GAAAAATGGAGAGCTGTTTTATTTGGAATTGAGTGAGGATGAAGAAGAAAGCCTCCTTCC-3'
Protein context (NP_056508.2, residues 50-70): DLEPEWLDSV[Gln60Pro]KNGELFYLEL

ClinVar aggregate classification (germline): Uncertain significance (1 of 4 stars; one submission).

gnomAD v4.1: 3 of 1,605,818 alleles (0.00019%); highest among the groups gnomAD compares: South Asian, 0.0033%; no homozygotes.

Submission:

Labcorp Genetics (formerly Invitae), Labcorp
Classification: Uncertain significance. Last evaluated: 2025-05-14. Review status: criteria provided, single submitter. Criteria: Invitae Variant Classification Sherloc (09022015). Collection method: clinical testing. Allele origin: germline.
Comment: This sequence change replaces glutamine, which is neutral and polar, with proline, which is neutral and non-polar, at codon 60 of the INTU protein (p.Gln60Pro). This variant is not present in population databases (gnomAD no frequency). This variant has not been reported in the literature in individuals affected with INTU-related conditions. Invitae Evidence Modeling of protein sequence and biophysical properties (such as structural, functional, and spatial information, amino acid conservation, physicochemical variation, residue mobility, and thermodynamic stability) indicates that this missense variant is expected to disrupt INTU protein function with a positive predictive value of 80%. In summary, the available evidence is currently insufficient to determine the role of this variant in disease. Therefore, it has been classified as a Variant of Uncertain Significance.